The following is an entry in ClinVar:

NM_017617.5(NOTCH1):c.411G>A (p.Ser137=)

Gene: NOTCH1 (notch receptor 1; minus strand). Cytogenetic location: 9q34.3.
Variant type: single nucleotide variant.
Coding change: c.411G>A on transcript NM_017617.5 (MANE Select); coding-DNA position 411, G replaced by A.
Protein change: p.Ser137=; no amino-acid change (serine 137 retained).
Molecular consequence: synonymous variant.
Genome position (GRCh38, 1-based): chr9:136,523,181, C>T on the plus strand (G>A on the coding strand, the complement: NOTCH1 is on the minus strand). VCF-style: chr9-136523181-C-T. GRCh37 (hg19) VCF-style: chr9-139417633-C-T.
Other names: c.411G>A, p.Ser137= (LRG_1122t1).
Identifiers: ClinVar variation 512997 (VCV000512997.12), dbSNP rs560826996, ClinGen allele CA5342158.

ClinVar aggregate classification (germline): Likely benign. Review status: criteria provided, multiple submitters, no conflicts (2 of 4 stars). 5 submissions from 4 submitters: Likely benign (5). Last evaluated 2026-01-27.

Conditions:
Aortic valve disease 1 (AOVD1). Identifiers: MedGen C3887892, MONDO:0024523, OMIM 109730.
Adams-Oliver syndrome 5 (AOS5). Identifiers: Orphanet 974, MedGen C4014970, MONDO:0014459, OMIM 616028.
Familial thoracic aortic aneurysm and aortic dissection (TAAD). Also called: Thoracic aortic aneurysms and dissections. Identifiers: Orphanet 91387, MedGen C4707243, MONDO:0019625.

Allele frequency attached by ClinVar (database versions not stated): gnomAD 0.00003; TOPMed 0.00006.
gnomAD v4.1: 30 of 1,601,236 alleles (0.0019%); highest among the groups gnomAD compares: African/African-American, 0.013%; no homozygotes.

Submissions (5):

Labcorp Genetics (formerly Invitae), Labcorp
Classification: Likely benign for Adams-Oliver syndrome 5. Last evaluated: 2026-01-27. Review status: criteria provided, single submitter. Criteria: Invitae Variant Classification Sherloc (09022015). Collection method: clinical testing. Allele origin: germline.

Ambry Genetics
Classification: Likely benign for Familial thoracic aortic aneurysm and aortic dissection. Last evaluated: 2022-07-17. Review status: criteria provided, single submitter. Criteria: Ambry Variant Classification Scheme 2023. Collection method: clinical testing. Allele origin: germline.

Genome-Nilou Lab
Classification: Likely benign for Adams-Oliver syndrome 5. Last evaluated: 2022-03-15. Review status: criteria provided, single submitter. Criteria: ACMG Guidelines, 2015. Collection method: clinical testing. Allele origin: germline. Affected: no.

Genome-Nilou Lab
Classification: Likely benign for Aortic valve disease 1. Last evaluated: 2022-03-15. Review status: criteria provided, single submitter. Criteria: ACMG Guidelines, 2015. Collection method: clinical testing. Allele origin: germline. Affected: no.

GeneDx
Classification: Likely benign. Last evaluated: 2017-11-02. Review status: criteria provided, single submitter. Criteria: GeneDx Variant Classification (06012015). Collection method: clinical testing. Allele origin: germline. Affected: yes.
Comment: This variant is considered likely benign or benign based on one or more of the following criteria: it is a conservative change, it occurs at a poorly conserved position in the protein, it is predicted to be benign by multiple in silico algorithms, and/or has population frequency not consistent with disease.